The following is an entry in ClinVar:

ClinVar aggregate classification (germline): Uncertain significance (1 of 4 stars; one submission).

Submission:

Labcorp Genetics (formerly Invitae), Labcorp
Classification: Uncertain significance. Last evaluated: 2022-10-17. Review status: criteria provided, single submitter. Criteria: Invitae Variant Classification Sherloc (09022015). Collection method: clinical testing. Allele origin: germline.
Comment: This sequence change replaces histidine, which is basic and polar, with leucine, which is neutral and non-polar, at codon 401 of the MICAL1 protein (p.His401Leu). In summary, the available evidence is currently insufficient to determine the role of this variant in disease. Therefore, it has been classified as a Variant of Uncertain Significance. Algorithms developed to predict the effect of missense changes on protein structure and function are either unavailable or do not agree on the potential impact of this missense change (SIFT: "Deleterious"; PolyPhen-2: "Benign"; Align-GVGD: "Class C0"). This variant has not been reported in the literature in individuals affected with MICAL1-related conditions. This variant is not present in population databases (gnomAD no frequency).

NM_022765.4(MICAL1):c.1145A>T (p.His382Leu)

Gene: MICAL1 (microtubule associated monooxygenase, calponin and LIM domain containing 1; minus strand). Cytogenetic location: 6q21.
Variant type: single nucleotide variant.
Coding change: c.1145A>T on transcript NM_022765.4 (MANE Select); coding-DNA position 1145, A replaced by T.
Protein change: p.His382Leu; replaces histidine 382 with leucine.
Molecular consequence: missense variant. On other transcripts: intron variant (1).
Genome position (GRCh38, 1-based): chr6:109,450,346, T>A on the plus strand (A>T on the coding strand, the complement: MICAL1 is on the minus strand). VCF-style: chr6-109450346-T-A. GRCh37 (hg19) VCF-style: chr6-109771549-T-A.
Other names: c.1202A>T, p.His401Leu (NM_001286613.2); c.934-261A>T (NM_001159291.2); short protein forms H401L, H382L.
Identifiers: ClinVar variation 2019914 (VCV002019914.4), dbSNP rs774278203, ClinGen allele CA365230887.